The following is an entry in ClinVar:

NM_007294.4(BRCA1):c.2746A>C (p.Asn916His)

Gene: BRCA1 (BRCA1 DNA repair associated; minus strand). Cytogenetic location: 17q21.31.
Variant type: single nucleotide variant.
Coding change: c.2746A>C on transcript NM_007294.4 (MANE Select); coding-DNA position 2746, A replaced by C.
Protein change: p.Asn916His; replaces asparagine 916 with histidine.
Molecular consequence: missense variant. On other transcripts: intron variant (137).
Genome position (GRCh38, 1-based): chr17:43,092,785, T>G on the plus strand (A>C on the coding strand, the complement: BRCA1 is on the minus strand). VCF-style: chr17-43092785-T-G. GRCh37 (hg19) VCF-style: chr17-41244802-T-G.
Other names: c.578-1753A>C (NM_001408492.1, NM_001408513.1, NM_001408481.1 and 9 more transcripts); c.644-1753A>C (NM_001408468.1, NM_001408470.1, NM_001408464.1 and 3 more transcripts); c.524-1753A>C (NM_001408501.1, NM_001408497.1, NM_001408500.1 and 3 more transcripts); c.647-1753A>C (NM_001408455.1, NM_001408466.1, NM_001408452.1 and 11 more transcripts); c.788-1753A>C (NM_001407973.1, NM_001407980.1, NM_001407993.1 and 17 more transcripts); c.404-1753A>C (NM_001408511.1); c.521-1753A>C (NM_001408503.1, NM_001408505.1, NM_001408504.1); c.2533A>C, p.Asn845His (NM_001407571.1, NM_001407853.1, NM_001407894.1 and 9 more transcripts); and 41 more; short protein forms N869H, N916H, N748H, N788H, N828H, N846H, N848H, N868H.
Identifiers: ClinVar variation 1171820 (VCV001171820.5), dbSNP rs398122666, ClinGen allele CA10596498.

ClinVar aggregate classification (germline): Conflicting classifications of pathogenicity. Review status: criteria provided, conflicting classifications (1 of 4 stars). 2 submissions from 2 submitters: Uncertain significance (1); Likely benign (1). Last evaluated 2023-03-23.

Conditions:
Hereditary cancer-predisposing syndrome. Also called: Tumor predisposition; Hereditary neoplastic syndrome; Hereditary Cancer Syndrome; Neoplastic Syndromes, Hereditary. Identifiers: Orphanet 140162, MedGen C0027672, MeSH D009386, MONDO:0015356.

Submissions (2):

University of Washington Department of Laboratory Medicine, University of Washington
Classification: Likely benign for Hereditary cancer-predisposing syndrome. Last evaluated: 2023-03-23. Review status: criteria provided, single submitter. Criteria: Dines et al. (Genet Med. 2020). Collection method: curation. Allele origin: germline.
Comment: Missense variant in a coldspot region where missense variants are very unlikely to be pathogenic (PMID:31911673).

BRCA1 coldspot (exon 11 using historical exon numbering). Reclassification based on statistical prior probability

Color Diagnostics, LLC DBA Color Health
Classification: Uncertain significance for Hereditary cancer-predisposing syndrome. Last evaluated: 2020-12-23. Review status: criteria provided, single submitter. Criteria: ACMG Guidelines, 2015. Collection method: clinical testing. Allele origin: germline.
Comment: This missense variant replaces asparagine with histidine at codon 916 of the BRCA1 protein. Computational prediction suggests that this variant may not impact protein structure and function (internally defined REVEL score threshold <= 0.5, PMID: 27666373). To our knowledge, functional studies have not been reported for this variant. This variant has not been reported in individuals affected with hereditary cancer in the literature. This variant has not been identified in the general population by the Genome Aggregation Database (gnomAD). The available evidence is insufficient to determine the role of this variant in disease conclusively. Therefore, this variant is classified as a Variant of Uncertain Significance.